The following is an entry in ClinVar:

ClinVar aggregate classification (germline): Pathogenic (1 of 4 stars; one submission).

Conditions:
Early-infantile DEE. Also called: Ohtahara syndrome; Early infantile epileptic encephalopathy with suppression bursts; Early infantile epileptic encephalopathy. Identifiers: Orphanet 1934, MedGen C0393706, MONDO:0800491.

Submission:

Labcorp Genetics (formerly Invitae), Labcorp
Classification: Pathogenic for Early-infantile DEE. Last evaluated: 2021-11-15. Review status: criteria provided, single submitter. Criteria: Invitae Variant Classification Sherloc (09022015). Collection method: clinical testing. Allele origin: germline.
Comment: For these reasons, this variant has been classified as Pathogenic. ClinVar contains an entry for this variant (Variation ID: 1053572). This variant has not been reported in the literature in individuals affected with SCN8A-related conditions. This variant is not present in population databases (gnomAD no frequency). This sequence change creates a premature translational stop signal (p.Glu1551Glyfs*8) in the SCN8A gene. It is expected to result in an absent or disrupted protein product. Loss-of-function variants in SCN8A are known to be pathogenic (PMID: 19254928, 32651551).

Literature cited by the submitters: PubMed 19254928; PubMed 32651551.

NM_001330260.2(SCN8A):c.4651dup (p.Glu1551fs)

Gene: SCN8A (sodium voltage-gated channel alpha subunit 8; plus strand). Cytogenetic location: 12q13.13.
Variant type: Duplication.
Coding change: c.4651dup on transcript NM_001330260.2 (MANE Select); coding-DNA position 4651, one base duplicated (G; older notation c.4651dupG).
Protein change: p.Glu1551fs; shifts the reading frame from glutamic acid 1551.
Molecular consequence: frameshift variant.
Genome position (GRCh38, 1-based): chr12:51,794,497, G duplicated; the last of 2 consecutive G bases (chr12:51,794,496-51,794,497); duplicating either gives the same sequence. VCF-style (leftmost placement, unchanged base first): chr12-51794495-T-TG. GRCh37 (hg19) VCF-style: chr12-52188279-T-TG.
Other names: c.4528dup, p.Glu1510fs (NM_001177984.3, NM_001369788.1); c.4651dup, p.Glu1551fs (NM_014191.4); short protein forms E1510fs, E1551fs.
Identifiers: ClinVar variation 1053572 (VCV001053572.8), dbSNP rs2138919307, ClinGen allele CA2499221736.